The following is an entry in ClinVar:

ClinVar aggregate classification (germline): Uncertain significance (1 of 4 stars; one submission).

Conditions:
Developmental and epileptic encephalopathy, 11 (DEE11). Also called: Early infantile epileptic encephalopathy 11. Identifiers: Orphanet 1934, MedGen C3150987, MONDO:0013388, OMIM 613721.
Seizures, benign familial infantile, 3 (BFIS3). Also called: CONVULSIONS, BENIGN FAMILIAL INFANTILE, 3; Familial neonatal seizures. Identifiers: Orphanet 140927, Orphanet 306, MedGen C1843140, MONDO:0011904, OMIM 607745.

Submission:

Labcorp Genetics (formerly Invitae), Labcorp
Classification: Uncertain significance for Seizures, benign familial infantile, 3; Developmental and epileptic encephalopathy, 11. Last evaluated: 2025-05-01. Review status: criteria provided, single submitter. Criteria: Invitae Variant Classification Sherloc (09022015). Collection method: clinical testing. Allele origin: germline.
Comment: This sequence change replaces alanine, which is neutral and non-polar, with threonine, which is neutral and polar, at codon 1108 of the SCN2A protein (p.Ala1108Thr). This variant is not present in population databases (gnomAD no frequency). This variant has not been reported in the literature in individuals affected with SCN2A-related conditions. Invitae Evidence Modeling of protein sequence and biophysical properties (such as structural, functional, and spatial information, amino acid conservation, physicochemical variation, residue mobility, and thermodynamic stability) indicates that this missense variant is expected to disrupt SCN2A protein function with a positive predictive value of 95%. In summary, the available evidence is currently insufficient to determine the role of this variant in disease. Therefore, it has been classified as a Variant of Uncertain Significance.

NM_001040142.2(SCN2A):c.3322G>A (p.Ala1108Thr)

Gene: SCN2A (sodium voltage-gated channel alpha subunit 2; plus strand). Cytogenetic location: 2q24.3.
Variant type: single nucleotide variant.
Coding change: c.3322G>A on transcript NM_001040142.2 (MANE Select); coding-DNA position 3322, G replaced by A.
Protein change: p.Ala1108Thr; replaces alanine 1108 with threonine.
Molecular consequence: missense variant.
Genome position (GRCh38, 1-based): chr2:165,354,594, G>A. VCF-style: chr2-165354594-G-A. GRCh37 (hg19) VCF-style: chr2-166211104-G-A.
Other names: c.3322G>A, p.Ala1108Thr (NM_001040143.2, NM_001371246.1, NM_001371247.1 and 1 more transcripts); short protein forms A1108T.
Identifiers: ClinVar variation 4789346 (VCV004789346.1).
Genomic context (GRCh38, chr2:165,354,594, plus strand): 5'-GATGAAAGTGATTACATGTCATTTATAAACAACCCTAGCCTCACTGTGACAGTACCAATT[G>A]CTGTTGGAGAATCTGACTTTGAAAATTTAAATACTGAAGAATTCAGCAGCGAGTCAGATA-3'
Protein context (NP_001035232.1, residues 1098-1118): NPSLTVTVPI[Ala1108Thr]VGESDFENLN